The following is an entry in ClinVar:

NM_015202.5(KATNIP):c.1660T>G (p.Phe554Val)

Gene: KATNIP (katanin interacting protein; plus strand). Cytogenetic location: 16p12.1.
Variant type: single nucleotide variant.
Coding change: c.1660T>G on transcript NM_015202.5 (MANE Select); coding-DNA position 1660, T replaced by G.
Protein change: p.Phe554Val; replaces phenylalanine 554 with valine.
Molecular consequence: missense variant.
Genome position (GRCh38, 1-based): chr16:27,721,612, T>G. VCF-style: chr16-27721612-T-G. GRCh37 (hg19) VCF-style: chr16-27732933-T-G.
Other names: short protein forms F554V.
Identifiers: ClinVar variation 1938580 (VCV001938580.5), dbSNP rs146755387, ClinGen allele CA395316708.

ClinVar aggregate classification (germline): Uncertain significance (1 of 4 stars; one submission).

Submission:

Labcorp Genetics (formerly Invitae), Labcorp
Classification: Uncertain significance. Last evaluated: 2022-03-29. Review status: criteria provided, single submitter. Criteria: Invitae Variant Classification Sherloc (09022015). Collection method: clinical testing. Allele origin: germline.
Comment: In summary, the available evidence is currently insufficient to determine the role of this variant in disease. Therefore, it has been classified as a Variant of Uncertain Significance. Algorithms developed to predict the effect of missense changes on protein structure and function are either unavailable or do not agree on the potential impact of this missense change (SIFT: "Deleterious"; PolyPhen-2: "Benign"; Align-GVGD: "Class C0"). This variant has not been reported in the literature in individuals affected with KIAA0556-related conditions. This variant is not present in population databases (gnomAD no frequency). This sequence change replaces phenylalanine, which is neutral and non-polar, with valine, which is neutral and non-polar, at codon 554 of the KIAA0556 protein (p.Phe554Val).